The following is an entry in ClinVar:

ClinVar aggregate classification (germline): Uncertain significance (1 of 4 stars; one submission).

gnomAD v4.1: 35 of 1,614,028 alleles (0.0022%); highest among the groups gnomAD compares: South Asian, 0.0033%; no homozygotes.

Submission:

GeneDx
Classification: Uncertain significance. Last evaluated: 2024-10-02. Review status: criteria provided, single submitter. Criteria: GeneDx Variant Classification Process June 2021. Collection method: clinical testing. Allele origin: germline. Affected: yes.
Comment: Identified in a patient with a patient with amyotrophic lateral sclerosis but familial segregation information and in vitro functional studies were not included (PMID: 31475037); In silico analysis supports that this missense variant has a deleterious effect on protein structure/function; This variant is associated with the following publications: (PMID: 31475037)

NM_004960.4(FUS):c.74A>G (p.Tyr25Cys)

Gene: FUS (FUS RNA binding protein; plus strand). Cytogenetic location: 16p11.2.
Variant type: single nucleotide variant.
Coding change: c.74A>G on transcript NM_004960.4 (MANE Select); coding-DNA position 74, A replaced by G.
Protein change: p.Tyr25Cys; replaces tyrosine 25 with cysteine.
Molecular consequence: missense variant. On other transcripts: non-coding transcript variant (1).
Genome position (GRCh38, 1-based): chr16:31,182,548, A>G. VCF-style: chr16-31182548-A-G. GRCh37 (hg19) VCF-style: chr16-31193869-A-G.
Other names: c.74A>G, p.Tyr25Cys (NM_001170634.1, NM_001170937.1); short protein forms Y25C.
Identifiers: ClinVar variation 3776571 (VCV003776571.1).